The following is an entry in ClinVar:

ClinVar aggregate classification (germline): Uncertain significance (1 of 4 stars; one submission).

Conditions:
Charcot-Marie-Tooth disease axonal type 2O. Also called: CHARCOT-MARIE-TOOTH NEUROPATHY, AXONAL, TYPE 2O; CHARCOT-MARIE-TOOTH DISEASE, AXONAL, AUTOSOMAL DOMINANT, TYPE 2O; Charcot-Marie-Tooth Neuropathy Type 2O; Charcot-Marie-Tooth disease, axonal, type 20. Identifiers: Orphanet 284232, MedGen C3280220, MONDO:0013644, OMIM 614228.

Submission:

Labcorp Genetics (formerly Invitae), Labcorp
Classification: Uncertain significance for Charcot-Marie-Tooth disease axonal type 2O. Last evaluated: 2020-10-05. Review status: criteria provided, single submitter. Criteria: Invitae Variant Classification Sherloc (09022015). Collection method: clinical testing. Allele origin: germline.
Comment: This sequence change replaces valine with phenylalanine at codon 1127 of the DYNC1H1 protein (p.Val1127Phe). The valine residue is highly conserved and there is a small physicochemical difference between valine and phenylalanine. This variant is not present in population databases (ExAC no frequency). This variant has not been reported in the literature in individuals with DYNC1H1-related conditions. Advanced modeling of protein sequence and biophysical properties (such as structural, functional, and spatial information, amino acid conservation, physicochemical variation, residue mobility, and thermodynamic stability) performed at Invitae indicates that this missense variant is not expected to disrupt DYNC1H1 protein function. In summary, the available evidence is currently insufficient to determine the role of this variant in disease. Therefore, it has been classified as a Variant of Uncertain Significance.

NM_001376.5(DYNC1H1):c.3379G>T (p.Val1127Phe)

Gene: DYNC1H1 (dynein cytoplasmic 1 heavy chain 1; plus strand). Cytogenetic location: 14q32.31.
Variant type: single nucleotide variant.
Coding change: c.3379G>T on transcript NM_001376.5 (MANE Select); coding-DNA position 3379, G replaced by T.
Protein change: p.Val1127Phe; replaces valine 1127 with phenylalanine.
Molecular consequence: missense variant.
Genome position (GRCh38, 1-based): chr14:101,995,031, G>T. VCF-style: chr14-101995031-G-T. GRCh37 (hg19) VCF-style: chr14-102461368-G-T.
Other names: short protein forms V1127F.
Identifiers: ClinVar variation 1022924 (VCV001022924.8), dbSNP rs2048042790, ClinGen allele CA391033804.